The following is an entry in ClinVar:

ClinVar aggregate classification (germline): Uncertain significance (1 of 4 stars; one submission).

Conditions:
RS1-related disorder. Also called: RS1-related condition.

gnomAD v4.1: 10 of 1,198,829 alleles (0.00083%); highest among the groups gnomAD compares: African/African-American, 0.0035%; no homozygotes.

Submission:

PreventionGenetics, part of Exact Sciences
Classification: Uncertain significance for RS1-related condition. Last evaluated: 2026-08-10. Review status: criteria provided, single submitter. Criteria: ACMG Guidelines, 2015. Collection method: clinical testing. Allele origin: germline.
Comment: The RS1 c.68C>T variant is predicted to result in the amino acid substitution p.Ser23Leu. To our knowledge, this variant has not been reported in the literature. This variant is absent in a large population database (gnomAD), indicating this variant is rare. At this time, the clinical significance of this variant is uncertain due to the absence of conclusive functional and genetic evidence.

NM_000330.4(RS1):c.68C>T (p.Ser23Leu)

Gene: RS1 (retinoschisin 1; minus strand). Cytogenetic location: Xp22.13.
Variant type: single nucleotide variant.
Coding change: c.68C>T on transcript NM_000330.4 (MANE Select); coding-DNA position 68, C replaced by T.
Protein change: p.Ser23Leu; replaces serine 23 with leucine.
Molecular consequence: missense variant.
Genome position (GRCh38, 1-based): chrX:18,657,650, G>A on the plus strand (C>T on the coding strand, the complement: RS1 is on the minus strand). VCF-style: chrX-18657650-G-A. GRCh37 (hg19) VCF-style: chrX-18675770-G-A.
Other names: short protein forms S23L.
Identifiers: ClinVar variation 4988724 (VCV004988724.1).
Genomic context (GRCh38, chrX:18,657,650, plus strand): 5'-TTTTCAAAAGTACTATGCATGTACATTACAGCCTTCTTACTGTTACATACCTCGGTAGAC[G>A]ATAATCCCAATGTGGCTAAAGCAAAAGGATGAGACAGAAAAAATCTAATTAATGAAAGAG-3'
Protein context (NP_000321.1, residues 13-33): LFGYEATLGL[Ser23Leu]STEDEGEDPW